The following is an entry in ClinVar:

ClinVar aggregate classification (germline): Uncertain significance (1 of 4 stars; one submission).

Conditions:
Long QT syndrome (LQTS). Identifiers: MedGen C0023976, MeSH D008133, MONDO:0002442. Disease mechanism: loss of function. Inheritance: Various modes of inheritance.

gnomAD v4.1: 1 of 1,613,858 alleles (0.000062%); highest among the groups gnomAD compares: Non-Finnish European, 0.000085%; no homozygotes.

Submission:

Labcorp Genetics (formerly Invitae), Labcorp
Classification: Uncertain significance for Long QT syndrome. Last evaluated: 2022-01-16. Review status: criteria provided, single submitter. Criteria: Invitae Variant Classification Sherloc (09022015). Collection method: clinical testing. Allele origin: germline.
Comment: In summary, the available evidence is currently insufficient to determine the role of this variant in disease. Therefore, it has been classified as a Variant of Uncertain Significance. Algorithms developed to predict the effect of missense changes on protein structure and function output the following: SIFT: "Tolerated"; PolyPhen-2: "Benign"; Align-GVGD: "Class C0". The cysteine amino acid residue is found in multiple mammalian species, which suggests that this missense change does not adversely affect protein function. This variant has not been reported in the literature in individuals affected with AKAP9-related conditions. This variant is not present in population databases (gnomAD no frequency). This sequence change replaces serine, which is neutral and polar, with cysteine, which is neutral and slightly polar, at codon 2131 of the AKAP9 protein (p.Ser2131Cys).

NM_005751.5(AKAP9):c.6392C>G (p.Ser2131Cys)

Gene: AKAP9 (A-kinase anchoring protein 9; plus strand). Cytogenetic location: 7q21.2.
Variant type: single nucleotide variant.
Coding change: c.6392C>G on transcript NM_005751.5 (MANE Select); coding-DNA position 6392, C replaced by G.
Protein change: p.Ser2131Cys; replaces serine 2131 with cysteine.
Molecular consequence: missense variant.
Genome position (GRCh38, 1-based): chr7:92,070,091, C>G. VCF-style: chr7-92070091-C-G. GRCh37 (hg19) VCF-style: chr7-91699405-C-G.
Other names: c.1037C>G, p.Ser346Cys (NM_001379277.1); c.6392C>G, p.Ser2131Cys (NM_147185.3); short protein forms S2131C, S346C.
Identifiers: ClinVar variation 2084730 (VCV002084730.4), dbSNP rs1180706651, ClinGen allele CA368134094.
Genomic context (GRCh38, chr7:92,070,091, plus strand): 5'-TTGAACAGTTAGCAAATCATCTGAAAGAAAAAACAGACAAATGCAGTGAGCTTTTGCTCT[C>G]TAAAGAGCAGCTTCAAAGGGATATACAAGAAAGGAATGAAGAAATAGAGAAACTGGAGTT-3'
Protein context (NP_005742.4, residues 2121-2141): KTDKCSELLL[Ser2131Cys]KEQLQRDIQE